The following is an entry in ClinVar:

ClinVar aggregate classification (germline): Uncertain significance. Review status: criteria provided, multiple submitters, no conflicts (2 of 4 stars). 7 submissions from 7 submitters: Uncertain significance (7). Last evaluated 2026-08-26.

Conditions:
SH3TC2-related disorder. Also called: SH3TC2-related condition; SH3TC2-related disorders. Identifiers: MedGen CN239303.
Charcot-Marie-Tooth disease. Also called: Charcot-Marie-Tooth Neuropathy; Charcot-Marie-Tooth Hereditary Neuropathy. Identifiers: Orphanet 166, MedGen C0007959, MONDO:0015626.
Charcot-Marie-Tooth disease type 4. Also called: Charcot-Marie-Tooth, Type 4; Charcot-Marie-Tooth disease, type IV. Identifiers: Orphanet 64749, MedGen C4082197, MONDO:0018995.

Allele frequency attached by ClinVar (database versions not stated): gnomAD 0.00001; TOPMed 0.00002; gnomAD exomes 0.00004; ExAC 0.00005.
gnomAD v4.1: 59 of 1,613,876 alleles (0.0037%); highest among the groups gnomAD compares: Non-Finnish European, 0.0045%; no homozygotes.

Submissions (8):

PreventionGenetics, part of Exact Sciences
Classification: Uncertain significance for SH3TC2-related condition. Last evaluated: 2026-08-26. Review status: criteria provided, single submitter. Criteria: ACMG Guidelines, 2015. Collection method: clinical testing. Allele origin: germline.
Comment: The SH3TC2 c.1002-5T>A variant is predicted to interfere with splicing. This variant was reported in a heterozygous state in an individual with Charcot-Marie-Tooth disease as part of a large cohort study (Volodarsky et al. 2021. PubMed ID: 32376792). This variant is reported in 0.0079% of alleles in individuals of European (Non-Finnish) descent in gnomAD. At this time, the clinical significance of this variant is uncertain due to the absence of conclusive functional and genetic evidence.

Blueprint Genetics
Classification: Uncertain significance. Last evaluated: 2024-10-15. Review status: criteria provided, single submitter. Criteria: ACMG Guidelines, 2015. Collection method: clinical testing. Allele origin: germline.

Labcorp Genetics (formerly Invitae), Labcorp
Classification: Uncertain significance for Charcot-Marie-Tooth disease type 4. Last evaluated: 2022-08-23. Review status: criteria provided, single submitter. Criteria: Invitae Variant Classification Sherloc (09022015). Collection method: clinical testing. Allele origin: germline.
Comment: This sequence change falls in intron 8 of the SH3TC2 gene. It does not directly change the encoded amino acid sequence of the SH3TC2 protein. This variant is present in population databases (rs769711653, gnomAD 0.006%). This variant has been observed in individual(s) with clinical features of Charcot-Marie-Tooth disease (PMID: 32376792). ClinVar contains an entry for this variant (Variation ID: 245849). Algorithms developed to predict the effect of sequence changes on RNA splicing suggest that this variant may disrupt the consensus splice site. In summary, the available evidence is currently insufficient to determine the role of this variant in disease. Therefore, it has been classified as a Variant of Uncertain Significance.

Athena Diagnostics
Classification: Uncertain significance. Last evaluated: 2018-11-27. Review status: criteria provided, single submitter. Criteria: Athena Diagnostics Criteria. Collection method: clinical testing. Allele origin: germline.

GeneDx
Classification: Uncertain significance. Last evaluated: 2017-11-13. Review status: criteria provided, single submitter. Criteria: GeneDx Variant Classification (06012015). Collection method: clinical testing. Allele origin: germline. Affected: yes.
Comment: The c.1002-5 T>A variant has not been published as pathogenic, nor has it been reported as a benign polymorphism to our knowledge. It was not observed in approximately 6,500 individuals of European and African American ancestry in the NHLBI Exome Sequencing Project, indicating it is not a common benign variant in these populations. Multiple in-silico splice prediction models predict that c.1002-5 T>A may weaken or destroy the natural splice acceptor site in intron 8 and lead to abnormal gene splicing. However, in the absence of RNA/functional studies, the actual effect of this sequence change in this individual is unknown. Therefore, based on the currently available information, it is unclear whether this variant is a pathogenic or a rare benign variant.

CeGaT Center for Human Genetics Tuebingen
Classification: Uncertain significance. Last evaluated: 2017-11-01. Review status: criteria provided, single submitter. Criteria: CeGaT Center For Human Genetics Tuebingen Variant Classification Criteria Version 2. Collection method: clinical testing. Allele origin: germline. Affected: yes. Observed: 1 variant allele.

Molecular Genetics Laboratory, London Health Sciences Centre
Classification: Uncertain significance for Charcot-Marie-Tooth disease. Review status: criteria provided, single submitter. Criteria: ACMG Guidelines, 2015. Collection method: clinical testing. Allele origin: germline. Affected: yes.

Dr. Peter K. Rogan Lab, Western University
No classification provided (evidence only). Condition: Familial pancreatic carcinoma. Review status: no classification provided. Collection method: in vitro. Allele origin: not applicable. Functional consequence: skipped exon, retained intron. Not counted in ClinVar's aggregate classification.

Literature cited by the submitters: PubMed 32376792 (cited by Labcorp Genetics (formerly Invitae), Labcorp).

NM_024577.4(SH3TC2):c.1002-5T>A

Gene: SH3TC2 (SH3 domain and tetratricopeptide repeats 2; minus strand). Cytogenetic location: 5q32.
Variant type: single nucleotide variant.
Coding change: c.1002-5T>A on transcript NM_024577.4 (MANE Select); 5 bases into the intron before coding-DNA position 1002, T replaced by A.
Molecular consequence: intron variant.
Genome position (GRCh38, 1-based): chr5:149,031,692, A>T on the plus strand (T>A on the coding strand, the complement: SH3TC2 is on the minus strand). VCF-style: chr5-149031692-A-T. GRCh37 (hg19) VCF-style: chr5-148411255-A-T.
Identifiers: ClinVar variation 245849 (VCV000245849.52), dbSNP rs769711653, ClinGen allele CA3499310.